The following is an entry in ClinVar:

ClinVar aggregate classification (germline): Pathogenic. Review status: reviewed by expert panel (3 of 4 stars). 6 submissions from 6 submitters: Pathogenic (1). 5 of the submissions do not count toward it. Last evaluated 2016-09-08.

Conditions:
Hereditary cancer-predisposing syndrome. Also called: Neoplastic Syndromes, Hereditary; Tumor predisposition; Hereditary Cancer Syndrome; Hereditary neoplastic syndrome. Identifiers: Orphanet 140162, MedGen C0027672, MeSH D009386, MONDO:0015356.
Breast-ovarian cancer, familial, susceptibility to, 2 (BROVCA2). Also called: BRCA2 Hereditary Breast and Ovarian Cancer. Identifiers: Orphanet 145, MedGen C2675520, MONDO:0012933, OMIM 612555. Disease mechanism: loss of function.

Submissions (6):

Evidence-based Network for the Interpretation of Germline Mutant Alleles (ENIGMA)
Classification: Pathogenic for Breast-ovarian cancer, familial, susceptibility to, 2. Last evaluated: 2016-09-08. Review status: reviewed by expert panel. Criteria: ENIGMA BRCA1/2 Classification Criteria (2015). Collection method: curation. Allele origin: germline.
Comment: Variant allele predicted to encode a truncated non-functional protein.

Consortium of Investigators of Modifiers of BRCA1/2 (CIMBA), c/o University of Cambridge
Classification: Pathogenic for Breast-ovarian cancer, familial, susceptibility to, 2. Last evaluated: 2015-10-02. Review status: criteria provided, single submitter. Criteria: CIMBA Mutation Classification guidelines May 2016. Collection method: clinical testing. Allele origin: germline. Not counted in ClinVar's aggregate classification.

Clinical Genetics DNA and cytogenetics Diagnostics Lab, Erasmus MC, Erasmus Medical Center
Classification: Pathogenic for Breast-ovarian cancer, familial, susceptibility to, 2. Last evaluated: 2015-09-21. Review status: criteria provided, single submitter. Criteria: ACGS Guidelines, 2013. Collection method: clinical testing. Allele origin: germline. Affected: yes. Study: VKGL Data-share Consensus. Not counted in ClinVar's aggregate classification.

Ambry Genetics
Classification: Pathogenic for Hereditary cancer-predisposing syndrome. Last evaluated: 2015-07-02. Review status: criteria provided, single submitter. Criteria: Ambry Variant Classification Scheme 2023. Collection method: clinical testing. Allele origin: germline. Not counted in ClinVar's aggregate classification.
Comment: The c.4556delC pathogenic mutation (also known as 4784delC), located in coding exon 10 of the BRCA2 gene, results from a deletion of one nucleotide at nucleotide position 4556, causing a translational frameshift with a predicted alternate stop codon. Since frameshifts are typically deleterious in nature, this alteration is interpreted as a disease-causing mutation (ACMG Recommendations for Standards for Interpretation and Reporting of Sequence Variations. Revision 2007. Genet Med. 2008;10:294).

Clinical Genetics Laboratory, Department of Pathology, Netherlands Cancer Institute
Classification: Pathogenic. Review status: no assertion criteria provided. Collection method: clinical testing. Allele origin: germline. Affected: yes. Study: VKGL Data-share Consensus. Not counted in ClinVar's aggregate classification.

Diagnostic Laboratory, Department of Genetics, University Medical Center Groningen
Classification: Pathogenic for Breast-ovarian cancer, familial, susceptibility to, 2. Review status: no assertion criteria provided. Collection method: clinical testing. Allele origin: germline. Affected: yes. Study: VKGL Data-share Consensus. Not counted in ClinVar's aggregate classification.

NM_000059.4(BRCA2):c.4556del (p.Pro1519fs)

Gene: BRCA2 (BRCA2 DNA repair associated; plus strand). Cytogenetic location: 13q13.1.
Variant type: Deletion.
Coding change: c.4556del on transcript NM_000059.4 (MANE Select); coding-DNA position 4556, one base deleted (C; older notation c.4556delC).
Protein change: p.Pro1519fs; shifts the reading frame from proline 1519.
Molecular consequence: frameshift variant.
Genome position (GRCh38, 1-based): chr13:32,338,911, C deleted; the last of 2 consecutive C bases (chr13:32,338,910-32,338,911); deleting either gives the same sequence. VCF-style (leftmost placement, unchanged base first): chr13-32338909-AC-A. GRCh37 (hg19) VCF-style: chr13-32913046-AC-A.
Other names: c.4556delC (NM_000059.3).
Identifiers: ClinVar variation 51672 (VCV000051672.9), dbSNP rs397507728, ClinGen allele CA020432.
Genomic context (GRCh38, chr13:32,338,909, plus strand): 5'-TACTGGAAATCAACTAGTGACCTTCCAGGGACAACCCGAACGTGATGAAAAGATCAAAGA[AC>A]CTACTCTATTGGGTTTTCATACAGCTAGCGGGAAAAAAGTTAAAATTGCAAAGGAATCTT-3'